The following is an entry in ClinVar:

NM_005591.4(MRE11):c.1045C>G (p.Arg349Gly)

Gene: MRE11 (MRE11 double strand break repair nuclease; minus strand). Cytogenetic location: 11q21.
Variant type: single nucleotide variant.
Coding change: c.1045C>G on transcript NM_005591.4 (MANE Select); coding-DNA position 1045, C replaced by G.
Protein change: p.Arg349Gly; replaces arginine 349 with glycine.
Molecular consequence: missense variant. On other transcripts: intron variant (3).
Genome position (GRCh38, 1-based): chr11:94,467,866, G>C on the plus strand (C>G on the coding strand, the complement: MRE11 is on the minus strand). VCF-style: chr11-94467866-G-C. GRCh37 (hg19) VCF-style: chr11-94201032-G-C.
Other names: c.1045C>G, p.Arg349Gly (NM_001440480.1, NM_001440481.1, NM_005590.4 and 15 more transcripts); c.700C>G, p.Arg234Gly (NM_001440482.1, NM_001440483.1, NM_001440484.1); c.577C>G, p.Arg193Gly (NM_001440485.1, NM_001440486.1, NM_001440487.1); c.1017+2605C>G (NM_001440478.1, NM_001440473.1, NM_001440477.1); c.970C>G, p.Arg324Gly (NM_001440471.1, NM_001440472.1, NM_001440479.1); short protein forms R234G, R193G, R324G, R349G.
Identifiers: ClinVar variation 4842892 (VCV004842892.1).

ClinVar aggregate classification (germline): Uncertain significance (1 of 4 stars; one submission).

Conditions:
Hereditary cancer-predisposing syndrome. Also called: Neoplastic Syndromes, Hereditary; Tumor predisposition; Hereditary Cancer Syndrome; Hereditary neoplastic syndrome. Identifiers: Orphanet 140162, MedGen C0027672, MeSH D009386, MONDO:0015356.

Submission:

Ambry Genetics
Classification: Uncertain significance for Hereditary cancer-predisposing syndrome. Last evaluated: 2025-12-15. Review status: criteria provided, single submitter. Criteria: Ambry Variant Classification Scheme 2023. Collection method: clinical testing. Allele origin: germline.
Comment: The p.R349G variant (also known as c.1045C>G), located in coding exon 9 of the MRE11A gene, results from a C to G substitution at nucleotide position 1045. The arginine at codon 349 is replaced by glycine, an amino acid with dissimilar properties. This amino acid position is conserved. In addition, this alteration is predicted to be deleterious by in silico analysis. Based on the available evidence, the clinical significance of this variant remains unclear.